The following is an entry in ClinVar:

NM_206933.4(USH2A):c.11389+9A>T

Gene: USH2A (usherin; minus strand). Cytogenetic location: 1q41.
Variant type: single nucleotide variant.
Coding change: c.11389+9A>T on transcript NM_206933.4 (MANE Select); 9 bases into the intron after coding-DNA position 11389, A replaced by T.
Molecular consequence: intron variant.
Genome position (GRCh38, 1-based): chr1:215,758,586, T>A on the plus strand (A>T on the coding strand, the complement: USH2A is on the minus strand). VCF-style: chr1-215758586-T-A. GRCh37 (hg19) VCF-style: chr1-215931928-T-A.
Other names: p.?; c.11389+9A>T (NM_206933.3).
Identifiers: ClinVar variation 48372 (VCV000048372.31), dbSNP rs12095085, ClinGen allele CA143254.
Genomic context (GRCh38, chr1:215,758,586, plus strand): 5'-ATTCTTATCTCTAATTAATTCCTTTAAAATGTTTACACACACACACACATACTTCTTTTT[T>A]TTTTTTACCTGGTGGTATCCAAGCTACAAATATAGAATAAGGCCCAATTACTGTGATATT-3'

ClinVar aggregate classification (germline): Benign. Review status: criteria provided, multiple submitters, no conflicts (2 of 4 stars). 7 submissions from 7 submitters: Benign (7). Last evaluated 2026-02-04.

Conditions:
Usher syndrome type 2A. Also called: RETINAL DISEASE IN USHER SYNDROME TYPE IIA, MODIFIER OF; USHER SYNDROME, TYPE IIA. Identifiers: Orphanet 231178, Orphanet 886, MedGen C1848634, MONDO:0010169, OMIM 276901.

Allele frequency attached by ClinVar (database versions not stated): 1000 Genomes Project 0.07488; 1000 Genomes Project 30x 0.07605; ExAC 0.10343; gnomAD exomes 0.10380; TOPMed 0.11918; gnomAD 0.12571; ESP Exome Variant Server 0.12702.
gnomAD v4.1: 197,902 of 1,609,608 alleles (12%); highest among the groups gnomAD compares: African/African-American, 14%; 13,110 homozygotes.

Submissions (7):

Labcorp Genetics (formerly Invitae), Labcorp
Classification: Benign. Last evaluated: 2026-02-04. Review status: criteria provided, single submitter. Criteria: Invitae Variant Classification Sherloc (09022015). Collection method: clinical testing. Allele origin: germline.

ARUP Laboratories, Molecular Genetics and Genomics, ARUP Laboratories
Classification: Benign. Last evaluated: 2023-11-22. Review status: criteria provided, single submitter. Criteria: ARUP Molecular Germline Variant Investigation Process 2024. Collection method: clinical testing. Allele origin: germline.

Genome-Nilou Lab
Classification: Benign for Usher syndrome type 2A. Last evaluated: 2021-07-01. Review status: criteria provided, single submitter. Criteria: ACMG Guidelines, 2015. Collection method: clinical testing. Allele origin: germline. Affected: no.

Mayo Clinic Laboratories, Mayo Clinic
Classification: Benign. Last evaluated: 2021-01-06. Review status: criteria provided, single submitter. Criteria: ACMG Guidelines, 2015. Collection method: clinical testing. Allele origin: germline. Observed: 24 variant alleles.

GeneDx
Classification: Benign. Last evaluated: 2011-08-18. Review status: criteria provided, single submitter. Criteria: GeneDx Variant Classification (06012015). Collection method: clinical testing. Allele origin: germline. Affected: yes.
Comment: This variant is considered likely benign or benign based on one or more of the following criteria: it is a conservative change, it occurs at a poorly conserved position in the protein, it is predicted to be benign by multiple in silico algorithms, and/or has population frequency not consistent with disease.

Laboratory for Molecular Medicine, Mass General Brigham Personalized Medicine
Classification: Benign. Last evaluated: 2008-02-19. Review status: criteria provided, single submitter. Criteria: LMM Criteria. Collection method: clinical testing. Allele origin: germline. Observed: 95 variant alleles.

Breakthrough Genomics
Classification: Benign. Review status: criteria provided, single submitter. Criteria: ACMG Guidelines, 2015. Collection method: not provided. Allele origin: germline. Inheritance: Autosomal recessive inheritance. Affected: yes.